The following is an entry in ClinVar:

ClinVar aggregate classification (germline): Conflicting classifications of pathogenicity. Review status: criteria provided, conflicting classifications (1 of 4 stars). 4 submissions from 4 submitters: Likely pathogenic (1); Uncertain significance (2); Benign (1). Last evaluated 2025-10-18.

Conditions:
Aromatase deficiency. Also called: Increased aromatase activity; PSEUDOHERMAPHRODITISM, FEMALE, DUE TO PLACENTAL AROMATASE DEFICIENCY. Identifiers: Orphanet 91, MedGen C1960539, MONDO:0013301, OMIM 613546.
Aromatase excess syndrome (AEXS). Also called: AROMATASE ACTIVITY, INCREASED; GYNECOMASTIA, HEREDITARY; Familial gynecomastia, due to increased aromatase activity. Identifiers: Orphanet 178345, MedGen C1970109, MONDO:0007690, OMIM 139300.

Allele frequency attached by ClinVar (database versions not stated): gnomAD 0.00003; gnomAD exomes 0.00004 and 0.00010; TOPMed 0.00004; ExAC 0.00008; 1000 Genomes Project 30x 0.00016; 1000 Genomes Project 0.00020.
gnomAD v4.1: 62 of 1,614,184 alleles (0.0038%); highest among the groups gnomAD compares: Admixed American, 0.035%; no homozygotes.

Submissions (4):

Labcorp Genetics (formerly Invitae), Labcorp
Classification: Uncertain significance. Last evaluated: 2025-10-18. Review status: criteria provided, single submitter. Criteria: Invitae Variant Classification Sherloc (09022015). Collection method: clinical testing. Allele origin: germline.
Comment: This sequence change replaces tyrosine, which is neutral and polar, with cysteine, which is neutral and slightly polar, at codon 81 of the CYP19A1 protein (p.Tyr81Cys). This variant is present in population databases (rs199845027, gnomAD 0.08%). This missense change has been observed in individual(s) with clinical features of autosomal recessive aromatase deficiency (PMID: 25415177). In at least one individual the data is consistent with being in trans (on the opposite chromosome) from a pathogenic variant. ClinVar contains an entry for this variant (Variation ID: 887527). Invitae Evidence Modeling of protein sequence and biophysical properties (such as structural, functional, and spatial information, amino acid conservation, physicochemical variation, residue mobility, and thermodynamic stability) has been performed for this missense variant. However, the output from this modeling did not meet the statistical confidence thresholds required to predict the impact of this variant on CYP19A1 protein function. Experimental studies have shown that this missense change affects CYP19A1 function (PMID: 25301327, 28542158). Algorithms developed to predict the effect of sequence changes on RNA splicing suggest that this variant may create or strengthen a splice site. In summary, the available evidence is currently insufficient to determine the role of this variant in disease. Therefore, it has been classified as a Variant of Uncertain Significance.

Fulgent Genetics
Classification: Likely pathogenic for Aromatase excess syndrome; Aromatase deficiency. Last evaluated: 2024-03-05. Review status: criteria provided, single submitter. Criteria: ACMG Guidelines, 2015. Collection method: clinical testing. Allele origin: germline.

Mendelics
Classification: Benign. Last evaluated: 2022-05-04. Review status: criteria provided, single submitter. Criteria: Mendelics Assertion Criteria 2019. Collection method: clinical testing. Allele origin: germline.

Illumina Laboratory Services, Illumina
Classification: Uncertain significance for Aromatase deficiency. Last evaluated: 2017-04-27. Review status: criteria provided, single submitter. Criteria: ICSL Variant Classification Criteria 13 December 2019. Collection method: clinical testing. Allele origin: germline.

Literature cited by the submitters: PubMed 25415177 (cited by Labcorp Genetics (formerly Invitae), Labcorp); PubMed 25301327 (cited by Labcorp Genetics (formerly Invitae), Labcorp); PubMed 28542158 (cited by Labcorp Genetics (formerly Invitae), Labcorp).

NM_000103.4(CYP19A1):c.242A>G (p.Tyr81Cys)

Genes: CYP19A1 (cytochrome P450 family 19 subfamily A member 1; minus strand), PIRC66 (piwi-interacting RNA cluster 66; plus strand), MIR4713HG (MIR4713 host gene; plus strand). Cytogenetic location: 15q21.2.
Variant type: single nucleotide variant.
Coding change: c.242A>G on transcript NM_000103.4 (MANE Select); coding-DNA position 242, A replaced by G.
Protein change: p.Tyr81Cys; replaces tyrosine 81 with cysteine.
Molecular consequence: missense variant.
Genome position (GRCh38, 1-based): chr15:51,236,913, T>C on the plus strand (A>G on the coding strand, the complement: CYP19A1 is on the minus strand). VCF-style: chr15-51236913-T-C. GRCh37 (hg19) VCF-style: chr15-51529110-T-C.
Other names: c.242A>G, p.Tyr81Cys (NM_001347248.1, NM_001347249.2, NM_001347250.2 and 7 more transcripts); short protein forms Y81C.
Identifiers: ClinVar variation 887527 (VCV000887527.7), dbSNP rs199845027, ClinGen allele CA7560127.
Genomic context (GRCh38, chr15:51,236,913, plus strand): 5'-ACTCACTTGCTGATAATGAGTGTTTCCTCTCCAGAGATCCAGACTCGCATGAATTCTCCA[T>C]ATACCCGGTTGTAGTAGTTGCAGGCACTGCCGATCCCCATCCACAGGAATCTGCCGTGGG-3'
Protein context (NP_000094.2, residues 71-91): GSACNYYNRV[Tyr81Cys]GEFMRVWISG